The following is an entry in ClinVar:

NM_033409.4(SLC52A3):c.542C>A (p.Pro181His)

Gene: SLC52A3 (solute carrier family 52 member 3; minus strand). Cytogenetic location: 20p13.
Variant type: single nucleotide variant.
Coding change: c.542C>A on transcript NM_033409.4 (MANE Select); coding-DNA position 542, C replaced by A.
Protein change: p.Pro181His; replaces proline 181 with histidine.
Molecular consequence: missense variant.
Genome position (GRCh38, 1-based): chr20:765,233, G>T on the plus strand (C>A on the coding strand, the complement: SLC52A3 is on the minus strand). VCF-style: chr20-765233-G-T. GRCh37 (hg19) VCF-style: chr20-745877-G-T.
Other names: c.542C>A, p.Pro181His (NM_001370085.1, NM_001370086.1); short protein forms P181H.
Identifiers: ClinVar variation 2171750 (VCV002171750.4), dbSNP rs2514851605, ClinGen allele CA407963624.

ClinVar aggregate classification (germline): Uncertain significance (1 of 4 stars; one submission).

Conditions:
Brown-Vialetto-van Laere syndrome 1. Also called: BROWN-VIALETTO-VAN LAERE SYNDROME 1, MILD; BULBAR PALSY, PROGRESSIVE, WITH SENSORINEURAL DEAFNESS; PONTOBULBAR PALSY WITH DEAFNESS. Identifiers: Orphanet 572550, Orphanet 97229, MedGen C0796274, MONDO:0024537, OMIM 211530.

Allele frequency attached by ClinVar (database versions not stated): gnomAD exomes below 0.00001.
gnomAD v4.1: 2 of 1,614,168 alleles (0.00012%); highest among the groups gnomAD compares: Non-Finnish European, 0.00017%; no homozygotes.

Submission:

Labcorp Genetics (formerly Invitae), Labcorp
Classification: Uncertain significance for Brown-Vialetto-van Laere syndrome 1. Last evaluated: 2021-12-24. Review status: criteria provided, single submitter. Criteria: Invitae Variant Classification Sherloc (09022015). Collection method: clinical testing. Allele origin: germline.
Comment: This sequence change replaces proline, which is neutral and non-polar, with histidine, which is basic and polar, at codon 181 of the SLC52A3 protein (p.Pro181His). In summary, the available evidence is currently insufficient to determine the role of this variant in disease. Therefore, it has been classified as a Variant of Uncertain Significance. Algorithms developed to predict the effect of missense changes on protein structure and function (SIFT, PolyPhen-2, Align-GVGD) all suggest that this variant is likely to be tolerated. This variant has not been reported in the literature in individuals affected with SLC52A3-related conditions. This variant is not present in population databases (gnomAD no frequency).